The following is an entry in ClinVar:

NM_001849.4(COL6A2):c.2629G>C (p.Val877Leu)

Gene: COL6A2 (collagen type VI alpha 2 chain; plus strand). Cytogenetic location: 21q22.3.
Variant type: single nucleotide variant.
Coding change: c.2629G>C on transcript NM_001849.4 (MANE Select); coding-DNA position 2629, G replaced by C.
Protein change: p.Val877Leu; replaces valine 877 with leucine.
Molecular consequence: missense variant.
Genome position (GRCh38, 1-based): chr21:46,132,121, G>C. VCF-style: chr21-46132121-G-C. GRCh37 (hg19) VCF-style: chr21-47552035-G-C.
Other names: short protein forms V877L.
Identifiers: ClinVar variation 4071779 (VCV004071779.1).
Genomic context (GRCh38, chr21:46,132,121, plus strand): 5'-GAGCAGGTGGCGCGGCGGCTGACGCTGGCCCGGAGGGACGACGACCCTCTCAACGCACGC[G>C]TGGCGCTGCTGCAGTTTGGTGGCCCCGGCGAGCAGCAGGTGGCCTTCCCGCTGAGCCACA-3'
Protein context (NP_001840.3, residues 867-887): RRDDDPLNAR[Val877Leu]ALLQFGGPGE

ClinVar aggregate classification (germline): Uncertain significance (1 of 4 stars; one submission).

gnomAD v4.1: 12 of 1,581,824 alleles (0.00076%); highest among the groups gnomAD compares: Non-Finnish European, 0.00086%; no homozygotes.

Submission:

GeneDx
Classification: Uncertain significance. Last evaluated: 2025-01-24. Review status: criteria provided, single submitter. Criteria: GeneDx Variant Classification Process June 2021. Collection method: clinical testing. Allele origin: germline. Affected: yes.
Comment: In silico analysis indicates that this missense variant does not alter protein structure/function; Has not been previously published as pathogenic or benign to our knowledge